The following is an entry in ClinVar:

NM_002691.4(POLD1):c.1569G>T (p.Leu523=)

Gene: POLD1 (DNA polymerase delta 1, catalytic subunit; plus strand). Cytogenetic location: 19q13.33.
Variant type: single nucleotide variant.
Coding change: c.1569G>T on transcript NM_002691.4 (MANE Select); coding-DNA position 1569, G replaced by T.
Protein change: p.Leu523=; no amino-acid change (leucine 523 retained).
Molecular consequence: synonymous variant. On other transcripts: non-coding transcript variant (1).
Genome position (GRCh38, 1-based): chr19:50,407,057, G>T. VCF-style: chr19-50407057-G-T. GRCh37 (hg19) VCF-style: chr19-50910314-G-T.
Other names: c.1569G>T, p.Leu523= (NM_001256849.1, NM_001308632.1).
Identifiers: ClinVar variation 3904333 (VCV003904333.1).

ClinVar aggregate classification (germline): Benign (1 of 4 stars; one submission).

Conditions:
POLD1-related polyposis and colorectal cancer syndrome (CRCS10). Also called: Colorectal cancer 10; COLORECTAL CANCER, SUSCEPTIBILITY TO, ON CHROMOSOME 19q; Colorectal cancer, susceptibility to, 10. Identifiers: Orphanet 220460, MedGen C2675481, MONDO:0012953, OMIM 612591.

Submission:

Myriad Genetics, Inc.
Classification: Benign for POLD1-related polyposis and colorectal cancer syndrome. Last evaluated: 2025-02-06. Review status: criteria provided, single submitter. Criteria: Myriad Autosomal Dominant, Autosomal Recessive and X-Linked Classification Criteria (2023). Collection method: clinical testing. Allele origin: unknown.
Comment: This variant is considered benign. This variant is a silent/synonymous amino acid change and it is not expected to impact splicing.